The following is an entry in ClinVar:

ClinVar aggregate classification (germline): Uncertain significance. Review status: criteria provided, multiple submitters, no conflicts (2 of 4 stars). 2 submissions from 2 submitters: Uncertain significance (2). Last evaluated 2025-05-08.

Conditions:
Hereditary cancer-predisposing syndrome. Also called: Hereditary Cancer Syndrome; Neoplastic Syndromes, Hereditary; Hereditary neoplastic syndrome; Tumor predisposition. Identifiers: Orphanet 140162, MedGen C0027672, MeSH D009386, MONDO:0015356.
Breast-ovarian cancer, familial, susceptibility to, 4. Identifiers: Orphanet 145, MedGen C3280345, MONDO:0013669, OMIM 614291.

gnomAD v4.1: 1 of 1,614,070 alleles (0.000062%); highest among the groups gnomAD compares: Non-Finnish European, 0.000085%; no homozygotes.

Submissions (2):

Ambry Genetics
Classification: Uncertain significance for Hereditary cancer-predisposing syndrome. Last evaluated: 2025-05-08. Review status: criteria provided, single submitter. Criteria: Ambry Variant Classification Scheme 2023. Collection method: clinical testing. Allele origin: germline.
Comment: The p.S213F variant (also known as c.638C>T), located in coding exon 7 of the RAD51D gene, results from a C to T substitution at nucleotide position 638. The serine at codon 213 is replaced by phenylalanine, an amino acid with highly dissimilar properties. This amino acid position is not well conserved in available vertebrate species. In addition, the in silico prediction for this alteration is inconclusive. Based on the available evidence, the clinical significance of this variant remains unclear.

Labcorp Genetics (formerly Invitae), Labcorp
Classification: Uncertain significance for Breast-ovarian cancer, familial, susceptibility to, 4. Last evaluated: 2024-05-11. Review status: criteria provided, single submitter. Criteria: Invitae Variant Classification Sherloc (09022015). Collection method: clinical testing. Allele origin: germline.
Comment: This sequence change replaces serine, which is neutral and polar, with phenylalanine, which is neutral and non-polar, at codon 213 of the RAD51D protein (p.Ser213Phe). This variant is not present in population databases (gnomAD no frequency). This variant has not been reported in the literature in individuals affected with RAD51D-related conditions. Advanced modeling of protein sequence and biophysical properties (such as structural, functional, and spatial information, amino acid conservation, physicochemical variation, residue mobility, and thermodynamic stability) performed at Invitae indicates that this missense variant is not expected to disrupt RAD51D protein function with a negative predictive value of 80%. In summary, the available evidence is currently insufficient to determine the role of this variant in disease. Therefore, it has been classified as a Variant of Uncertain Significance.

NM_002878.4(RAD51D):c.638C>T (p.Ser213Phe)

Genes: RAD51D (RAD51 paralog D; minus strand), RAD51L3-RFFL (RAD51L3-RFFL readthrough; minus strand). Cytogenetic location: 17q12.
Variant type: single nucleotide variant.
Coding change: c.638C>T on transcript NM_002878.4 (MANE Select); coding-DNA position 638, C replaced by T.
Protein change: p.Ser213Phe; replaces serine 213 with phenylalanine.
Molecular consequence: missense variant. On other transcripts: non-coding transcript variant (3).
Genome position (GRCh38, 1-based): chr17:35,103,483, G>A on the plus strand (C>T on the coding strand, the complement: RAD51D is on the minus strand). VCF-style: chr17-35103483-G-A. GRCh37 (hg19) VCF-style: chr17-33430502-G-A.
Other names: c.698C>T, p.Ser233Phe (NM_001142571.2); c.302C>T, p.Ser101Phe (NM_133629.3); short protein forms S101F, S213F, S233F.
Identifiers: ClinVar variation 3653028 (VCV003653028.3).